The following is an entry in ClinVar:

ClinVar aggregate classification (germline): Likely benign. Review status: criteria provided, multiple submitters, no conflicts (2 of 4 stars). 3 submissions from 3 submitters: Likely benign (2). 1 of the submissions does not count toward it. Last evaluated 2018-03-28.

Conditions:
ATP2A3-related disorder. Also called: ATP2A3-related condition.

Allele frequency attached by ClinVar (database versions not stated): 1000 Genomes Project 0.00080; ESP Exome Variant Server 0.00092; gnomAD exomes 0.00107; ExAC 0.00119; gnomAD 0.00093 and 0.00097; 1000 Genomes Project 30x 0.00094; TOPMed 0.00079.
gnomAD v4.1: 1,910 of 1,612,694 alleles (0.12%); highest among the groups gnomAD compares: Middle Eastern, 0.48%; no homozygotes.

Submissions (3):

Labcorp Genetics (formerly Invitae), Labcorp
Classification: Likely benign. Last evaluated: 2018-03-28. Review status: criteria provided, single submitter. Criteria: Invitae Variant Classification Sherloc (09022015). Collection method: clinical testing. Allele origin: germline.

Breakthrough Genomics
Classification: Likely benign. Review status: criteria provided, single submitter. Criteria: ACMG Guidelines, 2015. Collection method: not provided. Allele origin: germline. Inheritance: Unknown mechanism. Affected: yes.

PreventionGenetics, part of Exact Sciences
Classification: Likely benign for ATP2A3-related condition. Last evaluated: 2019-10-28. Review status: no assertion criteria provided. Collection method: clinical testing. Allele origin: germline. Not counted in ClinVar's aggregate classification.
Comment: This variant is classified as likely benign based on ACMG/AMP sequence variant interpretation guidelines (Richards et al. 2015 PMID: 25741868, with internal and published modifications).

NM_005173.4(ATP2A3):c.897C>T (p.Ala299=)

Gene: ATP2A3 (ATPase sarcoplasmic/endoplasmic reticulum Ca2+ transporting 3; minus strand). Cytogenetic location: 17p13.2.
Variant type: single nucleotide variant.
Coding change: c.897C>T on transcript NM_005173.4 (MANE Select); coding-DNA position 897, C replaced by T.
Protein change: p.Ala299=; no amino-acid change (alanine 299 retained).
Molecular consequence: synonymous variant.
Genome position (GRCh38, 1-based): chr17:3,947,589, G>A on the plus strand (C>T on the coding strand, the complement: ATP2A3 is on the minus strand). VCF-style: chr17-3947589-G-A. GRCh37 (hg19) VCF-style: chr17-3850883-G-A.
Other names: c.897C>T, p.Ala299= (NM_174953.3, NM_174954.3, NM_174955.3 and 3 more transcripts).
Identifiers: ClinVar variation 784697 (VCV000784697.6), dbSNP rs41283387, ClinGen allele CA8297372.